The following is an entry in ClinVar:

NM_004006.3(DMD):c.9557_9558del (p.Val3185_Tyr3186insTer)

Gene: DMD (dystrophin; minus strand). Cytogenetic location: Xp21.2.
Variant type: Deletion.
Coding change: c.9557_9558del on transcript NM_004006.3 (MANE Select); coding-DNA positions 9557 to 9558, 2 bases deleted (AT; older notation c.9557_9558delAT).
Protein change: p.Val3185_Tyr3186insTer.
Molecular consequence: nonsense.
Genome position (GRCh38, 1-based): chrX:31,209,503-31,209,504, AT deleted on the plus strand (AT on the coding strand, the reverse complement: DMD is on the minus strand); deleting any 2 consecutive bases within chrX:31,209,503-31,209,505 gives the same sequence; the c. name uses the placement nearest the transcript's 3' end. VCF-style (leftmost placement, unchanged base first): chrX-31209502-CAT-C. GRCh37 (hg19) VCF-style: chrX-31227619-CAT-C.
Other names: c.9533_9534del, p.Val3177_Tyr3178insTer (NM_000109.4); c.9545_9546del, p.Val3181_Tyr3182insTer (NM_004009.3); c.9188_9189del, p.Val3062_Tyr3063insTer (NM_004010.3); c.5534_5535del, p.Val1844_Tyr1845insTer (NM_004011.4); c.5525_5526del, p.Val1841_Tyr1842insTer (NM_004012.4); c.2177_2178del, p.Val725_Tyr726insTer (NM_004013.3, NM_004020.4, NM_004021.3 and 2 more transcripts); c.1370_1371del, p.Val456_Tyr457insTer (NM_004014.3); c.353_354del, p.Val117_Tyr118insTer (NM_004015.3, NM_004016.3, NM_004017.3 and 2 more transcripts).
Identifiers: ClinVar variation 2117618 (VCV002117618.4), dbSNP rs2521424312, ClinGen allele CA2580100574.

ClinVar aggregate classification (germline): Pathogenic (1 of 4 stars; one submission).

Conditions:
Duchenne muscular dystrophy (DMD). Also called: MUSCULAR DYSTROPHY, PSEUDOHYPERTROPHIC PROGRESSIVE, DUCHENNE TYPE; Duchenne Muscular Dystrophy (DMD). Identifiers: Orphanet 98896, MedGen C0013264, MONDO:0010679, OMIM 310200.

Submission:

Labcorp Genetics (formerly Invitae), Labcorp
Classification: Pathogenic for Duchenne muscular dystrophy. Last evaluated: 2022-04-27. Review status: criteria provided, single submitter. Criteria: Invitae Variant Classification Sherloc (09022015). Collection method: clinical testing. Allele origin: germline.
Comment: For these reasons, this variant has been classified as Pathogenic. This sequence change creates a premature translational stop signal (p.Tyr3186*) in the DMD gene. It is expected to result in an absent or disrupted protein product. Loss-of-function variants in DMD are known to be pathogenic (PMID: 16770791, 25007885). This variant is not present in population databases (gnomAD no frequency). This premature translational stop signal has been observed in individual(s) with Duchenne muscular dystrophy (PMID: 32813700).

Literature cited by the submitters: PubMed 16770791; PubMed 25007885; PubMed 32813700.